The following is an entry in ClinVar:

NM_004304.5(ALK):c.966_968del (p.Leu323del)

Gene: ALK (ALK receptor tyrosine kinase; minus strand). Cytogenetic location: 2p23.2.
Variant type: Deletion.
Coding change: c.966_968del on transcript NM_004304.5 (MANE Select); coding-DNA positions 966 to 968, 3 bases deleted (TCT; older notation c.966_968delTCT).
Protein change: p.Leu323del; deletes leucine 323.
Molecular consequence: inframe deletion.
Genome position (GRCh38, 1-based): chr2:29,532,101-29,532,103, AGA deleted on the plus strand (TCT on the coding strand, the reverse complement: ALK is on the minus strand); deleting any 3 consecutive bases within chr2:29,532,101-29,532,105 gives the same sequence; the c. name uses the placement nearest the transcript's 3' end. VCF-style (leftmost placement, unchanged base first): chr2-29532100-GAGA-G. GRCh37 (hg19) VCF-style: chr2-29754966-GAGA-G.
Other names: short protein forms L323del.
Identifiers: ClinVar variation 950601 (VCV000950601.9), dbSNP rs1673136781, ClinGen allele CA1139656808.

ClinVar aggregate classification (germline): Uncertain significance (1 of 4 stars; one submission).

Conditions:
Neuroblastoma, susceptibility to, 3. Also called: ALK-Related Neuroblastic Tumor Susceptibility. Identifiers: Orphanet 635, MedGen C2751681, MONDO:0013083, OMIM 613014.

Submission:

Labcorp Genetics (formerly Invitae), Labcorp
Classification: Uncertain significance for Neuroblastoma, susceptibility to, 3. Last evaluated: 2019-08-17. Review status: criteria provided, single submitter. Criteria: Invitae Variant Classification Sherloc (09022015). Collection method: clinical testing. Allele origin: germline.
Comment: This variant, c.966_968del, results in the deletion of 1 amino acid(s) of the ALK protein (p.Leu323del), but otherwise preserves the integrity of the reading frame. This variant is not present in population databases (ExAC no frequency). This variant has not been reported in the literature in individuals with ALK-related conditions. Experimental studies and prediction algorithms are not available or were not evaluated for this variant, and the functional significance of this variant is currently unknown. In summary, the available evidence is currently insufficient to determine the role of this variant in disease. Therefore, it has been classified as a Variant of Uncertain Significance.